The following is an entry in ClinVar:

NM_000435.3(NOTCH3):c.4440C>T (p.Ala1480=)

Gene: NOTCH3 (notch receptor 3; minus strand). Cytogenetic location: 19p13.12.
Variant type: single nucleotide variant.
Coding change: c.4440C>T on transcript NM_000435.3 (MANE Select); coding-DNA position 4440, C replaced by T.
Protein change: p.Ala1480=; no amino-acid change (alanine 1480 retained).
Molecular consequence: synonymous variant.
Genome position (GRCh38, 1-based): chr19:15,174,364, G>A on the plus strand (C>T on the coding strand, the complement: NOTCH3 is on the minus strand). VCF-style: chr19-15174364-G-A. GRCh37 (hg19) VCF-style: chr19-15285175-G-A.
Identifiers: ClinVar variation 3341717 (VCV003341717.18).
Genomic context (GRCh38, chr19:15,174,364, plus strand): 5'-ACAATCCAGCCCATCCCAGCCGCACTCCTCCGTGTTGCAGCCCTGGTCGCAGCGGCCGTC[G>A]GCAAAGTGGTCGGCGCAGTACTTCTCGTACACCGGGCTGGTGGGGAAGGGTGAGGCAGAG-3'
Protein context (NP_000426.2, residues 1470-1490): VYEKYCADHF[Ala1480=]DGRCDQGCNT

ClinVar aggregate classification (germline): Likely benign. Review status: criteria provided, multiple submitters, no conflicts (2 of 4 stars). 2 submissions from 2 submitters: Likely benign (2). Last evaluated 2024-10-24.

gnomAD v4.1: 8 of 1,545,110 alleles (0.00052%); highest among the groups gnomAD compares: African/African-American, 0.0027%; no homozygotes.

Submissions (2):

Labcorp Genetics (formerly Invitae), Labcorp
Classification: Likely benign. Last evaluated: 2024-10-24. Review status: criteria provided, single submitter. Criteria: Invitae Variant Classification Sherloc (09022015). Collection method: clinical testing. Allele origin: germline.

CeGaT Center for Human Genetics Tuebingen
Classification: Likely benign. Last evaluated: 2024-08-01. Review status: criteria provided, single submitter. Criteria: CeGaT Center For Human Genetics Tuebingen Variant Classification Criteria Version 2. Collection method: clinical testing. Allele origin: germline. Affected: yes. Observed: 1 variant allele.
Comment: NOTCH3: BP4, BP7